The following is an entry in ClinVar:

NM_178012.5(TUBB2B):c.1293C>G (p.Asp431Glu)

Gene: TUBB2B (tubulin beta 2B class IIb; minus strand). Cytogenetic location: 6p25.2.
Variant type: single nucleotide variant.
Coding change: c.1293C>G on transcript NM_178012.5 (MANE Select); coding-DNA position 1293, C replaced by G.
Protein change: p.Asp431Glu; replaces aspartic acid 431 with glutamic acid.
Molecular consequence: missense variant.
Genome position (GRCh38, 1-based): chr6:3,224,796, G>C on the plus strand (C>G on the coding strand, the complement: TUBB2B is on the minus strand). VCF-style: chr6-3224796-G-C. GRCh37 (hg19) VCF-style: chr6-3225030-G-C.
Other names: short protein forms D431E.
Identifiers: ClinVar variation 4854843 (VCV004854843.1).

ClinVar aggregate classification (germline): Uncertain significance (1 of 4 stars; one submission).

Conditions:
TUBB2B-related disorder. Also called: TUBB2B-related condition.

Submission:

3billion
Classification: Uncertain significance for TUBB2B-related disorder. Last evaluated: 2025-09-23. Review status: criteria provided, single submitter. Criteria: ACMG Guidelines, 2015. Collection method: clinical testing. Allele origin: germline. Affected: yes.
Comment: The variant is not observed in the gnomAD v4.1.0 dataset. Predicted Consequence/Location: Missense variant. In silico tool prediction suggests damaging effect of the variant on gene or gene product [3Cnet: 0.94 (> 0.75, sensitivity 0.96 and precision 0.92)]. Therefore, this variant is classified as VUS according to the recommendation of ACMG/AMP guideline.